The following is an entry in ClinVar:

ClinVar aggregate classification (germline): Uncertain significance (1 of 4 stars; one submission).

Conditions:
Intellectual disability. Also called: Intellectual functioning disability; Intellectual developmental disorder; intellectual disabilities. Identifiers: MedGen C3714756, MeSH D008607, MONDO:0001071, HP:0001249.

gnomAD v4.1: 2 of 1,614,198 alleles (0.00012%); highest among the groups gnomAD compares: Admixed American, 0.0033%; no homozygotes.

Submission:

Labcorp Genetics (formerly Invitae), Labcorp
Classification: Uncertain significance for Intellectual disability. Last evaluated: 2022-11-15. Review status: criteria provided, single submitter. Criteria: Invitae Variant Classification Sherloc (09022015). Collection method: clinical testing. Allele origin: germline.
Comment: In summary, the available evidence is currently insufficient to determine the role of this variant in disease. Therefore, it has been classified as a Variant of Uncertain Significance. Algorithms developed to predict the effect of missense changes on protein structure and function (SIFT, PolyPhen-2, Align-GVGD) all suggest that this variant is likely to be tolerated. ClinVar contains an entry for this variant (Variation ID: 1466512). This variant has not been reported in the literature in individuals affected with GABRB2-related conditions. This variant is present in population databases (rs371217448, gnomAD 0.006%). This sequence change replaces arginine, which is basic and polar, with leucine, which is neutral and non-polar, at codon 354 of the GABRB2 protein (p.Arg354Leu).

NM_001371727.1(GABRB2):c.1061G>T (p.Arg354Leu)

Gene: GABRB2 (gamma-aminobutyric acid type A receptor subunit beta2; minus strand). Cytogenetic location: 5q34.
Variant type: single nucleotide variant.
Coding change: c.1061G>T on transcript NM_001371727.1 (MANE Select); coding-DNA position 1061, G replaced by T.
Protein change: p.Arg354Leu; replaces arginine 354 with leucine.
Molecular consequence: missense variant.
Genome position (GRCh38, 1-based): chr5:161,330,899, C>A on the plus strand (G>T on the coding strand, the complement: GABRB2 is on the minus strand). VCF-style: chr5-161330899-C-A. GRCh37 (hg19) VCF-style: chr5-160757906-C-A.
Other names: c.1061G>T, p.Arg354Leu (NM_000813.3, NM_021911.3); short protein forms R354L.
Identifiers: ClinVar variation 1466512 (VCV001466512.8), dbSNP rs371217448, ClinGen allele CA3543436.